The following is an entry in ClinVar:

NM_194318.4(B3GLCT):c.732C>T (p.Asp244=)

Gene: B3GLCT (beta 3-glucosyltransferase; plus strand). Cytogenetic location: 13q12.3.
Variant type: single nucleotide variant.
Coding change: c.732C>T on transcript NM_194318.4 (MANE Select); coding-DNA position 732, C replaced by T.
Protein change: p.Asp244=; no amino-acid change (aspartic acid 244 retained).
Molecular consequence: synonymous variant.
Genome position (GRCh38, 1-based): chr13:31,274,580, C>T. VCF-style: chr13-31274580-C-T. GRCh37 (hg19) VCF-style: chr13-31848717-C-T.
Identifiers: ClinVar variation 2498576 (VCV002498576.28), dbSNP rs778364563, ClinGen allele CA6936694.

ClinVar aggregate classification (germline): Likely benign (1 of 4 stars; one submission).

Allele frequency attached by ClinVar (database versions not stated): ExAC 0.00001; gnomAD 0.00001.
gnomAD v4.1: 11 of 1,614,060 alleles (0.00068%); highest among the groups gnomAD compares: East Asian, 0.0045%; no homozygotes.

Submission:

CeGaT Center for Human Genetics Tuebingen
Classification: Likely benign. Last evaluated: 2023-02-01. Review status: criteria provided, single submitter. Criteria: CeGaT Center For Human Genetics Tuebingen Variant Classification Criteria Version 2. Collection method: clinical testing. Allele origin: germline. Affected: yes. Observed: 1 variant allele.
Comment: B3GLCT: BP4, BP7